The following is an entry in ClinVar:

NM_001382430.1(AKT1):c.60G>C (p.Lys20Asn)

Gene: AKT1 (AKT serine/threonine kinase 1; minus strand). Cytogenetic location: 14q32.33.
Variant type: single nucleotide variant.
Coding change: c.60G>C on transcript NM_001382430.1 (MANE Select); coding-DNA position 60, G replaced by C.
Protein change: p.Lys20Asn; replaces lysine 20 with asparagine.
Molecular consequence: missense variant.
Genome position (GRCh38, 1-based): chr14:104,780,203, C>G on the plus strand (G>C on the coding strand, the complement: AKT1 is on the minus strand). VCF-style: chr14-104780203-C-G. GRCh37 (hg19) VCF-style: chr14-105246540-C-G.
Other names: c.60G>C, p.Lys20Asn (NM_001014431.2, NM_001014432.2, NM_001382431.1 and 3 more transcripts); short protein forms K20N.
Identifiers: ClinVar variation 3519192 (VCV003519192.1).

ClinVar aggregate classification (germline): Uncertain significance (1 of 4 stars; one submission).

Conditions:
Inborn genetic diseases. Identifiers: MedGen C0950123, MeSH D030342.

Submission:

Ambry Genetics
Classification: Uncertain significance for Inborn genetic diseases. Last evaluated: 2024-12-09. Review status: criteria provided, single submitter. Criteria: Ambry Variant Classification Scheme 2023. Collection method: clinical testing. Allele origin: germline.
Comment: The p.K20N variant (also known as c.60G>C), located in coding exon 2 of the AKT1 gene, results from a G to C substitution at nucleotide position 60. The lysine at codon 20 is replaced by asparagine, an amino acid with similar properties. This amino acid position is conserved. In addition, this alteration is predicted to be tolerated by in silico analysis. Based on the available evidence, the clinical significance of this variant remains unclear.